The following is an entry in ClinVar:

NC_012920.1(MT-ND6):m.14482C>A

Gene: MT-ND6 (mitochondrially encoded NADH dehydrogenase 6; minus strand).
Variant type: single nucleotide variant.
Genome position: chrM-14482-C-A.
Identifiers: ClinVar variation 9693 (VCV000009693.5), dbSNP rs199476108, ClinGen allele CA340934.

ClinVar aggregate classification (germline): Likely pathogenic. Review status: reviewed by expert panel (3 of 4 stars). 3 submissions from 3 submitters: Likely pathogenic (1). 2 of the submissions do not count toward it. Last evaluated 2022-06-30.

Conditions:
Mitochondrial disease. Also called: Mitochondrial disorder; Mitochondrial disorders. Identifiers: Orphanet 68380, MedGen C0751651, MeSH D028361, MONDO:0044970.
Leber optic atrophy (LHON). Also called: Optic Atrophy, Hereditary, Leber; Leber hereditary optic neuropathy; Leber's disease; Leber's optic atrophy. Identifiers: Orphanet 104, MedGen C0917796, MONDO:0010788, OMIM 535000, HP:0001112.

Submissions (3):

ClinGen Mitochondrial Disease Nuclear and Mitochondrial  Variant Curation Expert Panel, ClinGen
Classification: Likely pathogenic for Mitochondrial disease. Last evaluated: 2022-06-30. Review status: reviewed by expert panel. Criteria: clingen mito disease acmg specifications v1-1. Collection method: curation. Allele origin: germline. Inheritance: Mitochondrial inheritance.
Comment: The m.14482C>A (p.M64I) variant in MT-ND6 has been reported in at least five unrelated individuals with LHON (PS4_moderate; PMIDs: 19319978, 12112086, 11931086, 12150954). Ages of onset varied from 10-29-years-old. All affected individuals had the variant present at homoplasmy. There are no reports of de novo occurrences to our knowledge. Several extended families have been reported in the medical literature (PMIDs: 11931086, 12112086) however family member testing was not performed or the variant was homoplasmic and thus prevented consideration for PP1. There are two occurrences of this variant in GenBank dataset, however both are from individuals with known mitochondrial disease. This variant is absent in gnomAD v3.1.2 and in Helix dataset therefore this variant is absent in healthy individuals (PM2_supporting). Another variant at this amino acid position leading to a different amino acid change is one of the most common causes of LHON and is a known pathogenic variant – m.14484T>C (p.M64V, PM5). There are no cybrid studies, single fiber studies, or other functional assays reported for this variant. The computational predictor APOGEE gives a consensus rating of pathogenic with a score of 0.96 (Min=0, Max=1), which predicts a damaging effect on gene function (PP3). In summary, this variant meets criteria to be classified as likely pathogenic for primary mitochondrial disease inherited in a mitochondrial manner. This classification was approved by the NICHD/NINDS U24 Mitochondrial Disease Variant Curation Expert Panel on May 3, 2022. Mitochondrial DNA-specific ACMG/AMP criteria applied (PMID: 32906214): PS4_moderate, PM2_supporting, PM5, PP3.

OMIM
Classification: Pathogenic for LEBER OPTIC ATROPHY. Last evaluated: 2002-06-01. Review status: no assertion criteria provided. Collection method: literature only. Allele origin: germline. Not counted in ClinVar's aggregate classification.

GeneReviews
No classification provided. Condition: Leber optic atrophy. Review status: no classification provided. Collection method: literature only. Allele origin: maternal. Not counted in ClinVar's aggregate classification.
Comment: This mitochondrial DNA variant affects function. It hase been identified in at least two independent LHON pedigrees and segregates with affected disease status.

Literature cited by the submitters: PubMed 12112086 (cited by OMIM); PubMed 30143805 (cited by GeneReviews); PubMed 20301353 (cited by GeneReviews).